The following is an entry in ClinVar:

NM_001319074.4(RAX2):c.510C>T (p.Ala170=)

Gene: RAX2 (retina and anterior neural fold homeobox 2; minus strand). Cytogenetic location: 19p13.3.
Variant type: single nucleotide variant.
Coding change: c.510C>T on transcript NM_001319074.4 (MANE Select); coding-DNA position 510, C replaced by T.
Protein change: p.Ala170=; no amino-acid change (alanine 170 retained).
Molecular consequence: synonymous variant.
Genome position (GRCh38, 1-based): chr19:3,770,666, G>A on the plus strand (C>T on the coding strand, the complement: RAX2 is on the minus strand). VCF-style: chr19-3770666-G-A. GRCh37 (hg19) VCF-style: chr19-3770664-G-A.
Other names: c.510C>T, p.Ala170= (NM_032753.4); c.510C>T (NM_032753.3).
Identifiers: ClinVar variation 1593470 (VCV001593470.9), dbSNP rs941485794, ClinGen allele CA304416603.

ClinVar aggregate classification (germline): Likely benign. Review status: criteria provided, multiple submitters, no conflicts (2 of 4 stars). 2 submissions from 2 submitters: Likely benign (2). Last evaluated 2025-04-07.

Conditions:
RAX2-related disorder. Also called: RAX2-related disorders; RAX2-related condition.

Allele frequency attached by ClinVar (database versions not stated): gnomAD 0.00004; TOPMed 0.00006.

Submissions (2):

PreventionGenetics, part of Exact Sciences
Classification: Likely benign for RAX2-related condition. Last evaluated: 2025-04-07. Review status: criteria provided, single submitter. Criteria: ACMG Guidelines, 2015. Collection method: clinical testing. Allele origin: germline.
Comment: This variant is classified as likely benign based on ACMG/AMP sequence variant interpretation guidelines (Richards et al. 2015 PMID: 25741868, with internal and published modifications).

Labcorp Genetics (formerly Invitae), Labcorp
Classification: Likely benign. Last evaluated: 2022-10-13. Review status: criteria provided, single submitter. Criteria: Invitae Variant Classification Sherloc (09022015). Collection method: clinical testing. Allele origin: germline.